The following is an entry in ClinVar:

NM_000400.4(ERCC2):c.1684C>T (p.Gln562Ter)

Gene: ERCC2 (ERCC excision repair 2, TFIIH core complex helicase subunit; minus strand). Cytogenetic location: 19q13.32.
Variant type: single nucleotide variant.
Coding change: c.1684C>T on transcript NM_000400.4 (MANE Select); coding-DNA position 1684, C replaced by T.
Protein change: p.Gln562Ter; replaces glutamine 562 with a stop codon.
Molecular consequence: nonsense.
Genome position (GRCh38, 1-based): chr19:45,353,316, G>A on the plus strand (C>T on the coding strand, the complement: ERCC2 is on the minus strand). VCF-style: chr19-45353316-G-A. GRCh37 (hg19) VCF-style: chr19-45856574-G-A.
Other names: short protein forms Q562*.
Identifiers: ClinVar variation 1322830 (VCV001322830.6), dbSNP rs2123229548, ClinGen allele CA406364508.
Genomic context (GRCh38, chr19:45,353,316, plus strand): 5'-CCAGGGCGACACTGGTTTCGGCACCATCCTGGGTCTCAATAAAGAGCAGCTTGTTCCTCT[G>A]GATGTTCTCAAGGATCCCCTGGGGAAGGACCCAGGGAGGTCAGGGTGGGTTCAGGGCACA-3'

ClinVar aggregate classification (germline): Pathogenic/Likely pathogenic. Review status: criteria provided, multiple submitters, no conflicts (2 of 4 stars). 3 submissions from 3 submitters: Pathogenic (2); Likely pathogenic (1). Last evaluated 2024-04-27.

Conditions:
ERCC2-related disorder. Also called: ERCC2-related disorders; ERCC2-related conditions; ERCC2-related condition. Identifiers: MedGen CN239291.
Cerebrooculofacioskeletal syndrome 2 (COFS2). Identifiers: MedGen C1853102, MONDO:0012553, OMIM 610756.

Submissions (3):

Myriad Genetics, Inc.
Classification: Pathogenic for ERCC2-related disorder. Last evaluated: 2024-04-27. Review status: criteria provided, single submitter. Criteria: Myriad Autosomal Dominant, Autosomal Recessive and X-Linked Classification Criteria (2023). Collection method: clinical testing. Allele origin: unknown.
Comment: NM_000400.3(ERCC2):c.1684C>T(Q562*) is expected to be pathogenic in the context of ERCC2-related disorders. This variant is predicted to lead to an abnormal or absent protein product due to the creation of a premature termination codon in ERCC2, a gene where loss-of-function variants are known to be pathogenic. Please note: this variant was assessed in the context of healthy population screening.

Baylor Genetics
Classification: Likely pathogenic for Cerebrooculofacioskeletal syndrome 2. Last evaluated: 2023-05-09. Review status: criteria provided, single submitter. Criteria: ACMG Guidelines, 2015. Collection method: clinical testing. Allele origin: unknown.

Revvity Omics, Revvity
Classification: Pathogenic. Last evaluated: 2020-09-22. Review status: criteria provided, single submitter. Criteria: ACMG Guidelines, 2015. Collection method: clinical testing. Allele origin: germline.